The following is an entry in ClinVar:

NM_173648.4(CCDC141):c.2347G>A (p.Glu783Lys)

Gene: CCDC141 (coiled-coil domain containing 141; minus strand). Cytogenetic location: 2q31.2.
Variant type: single nucleotide variant.
Coding change: c.2347G>A on transcript NM_173648.4 (MANE Select); coding-DNA position 2347, G replaced by A.
Protein change: p.Glu783Lys; replaces glutamic acid 783 with lysine.
Molecular consequence: missense variant.
Genome position (GRCh38, 1-based): chr2:178,869,164, C>T on the plus strand (G>A on the coding strand, the complement: CCDC141 is on the minus strand). VCF-style: chr2-178869164-C-T. GRCh37 (hg19) VCF-style: chr2-179733891-C-T.
Other names: c.2347G>A (NM_173648.3); short protein forms E783K.
Identifiers: ClinVar variation 1447170 (VCV001447170.7), dbSNP rs760619402, ClinGen allele CA2007055.

ClinVar aggregate classification (germline): Uncertain significance. Review status: criteria provided, multiple submitters, no conflicts (2 of 4 stars). 2 submissions from 2 submitters: Uncertain significance (2). Last evaluated 2025-01-01.

gnomAD v4.1: 10 of 1,613,014 alleles (0.00062%); highest among the groups gnomAD compares: African/African-American, 0.004%; no homozygotes.

Submissions (2):

Ambry Genetics
Classification: Uncertain significance. Last evaluated: 2025-01-01. Review status: criteria provided, single submitter. Criteria: Ambry Variant Classification Scheme 2023. Collection method: clinical testing. Allele origin: germline.

Labcorp Genetics (formerly Invitae), Labcorp
Classification: Uncertain significance. Last evaluated: 2021-10-21. Review status: criteria provided, single submitter. Criteria: Invitae Variant Classification Sherloc (09022015). Collection method: clinical testing. Allele origin: germline.
Comment: This sequence change replaces glutamic acid with lysine at codon 783 of the CCDC141 protein (p.Glu783Lys). The glutamic acid residue is highly conserved and there is a small physicochemical difference between glutamic acid and lysine. This variant is present in population databases (rs760619402, ExAC 0.006%). This variant has not been reported in the literature in individuals affected with CCDC141-related conditions. Algorithms developed to predict the effect of missense changes on protein structure and function are either unavailable or do not agree on the potential impact of this missense change (SIFT: "Deleterious"; PolyPhen-2: "Possibly Damaging"; Align-GVGD: "Class C15"). In summary, the available evidence is currently insufficient to determine the role of this variant in disease. Therefore, it has been classified as a Variant of Uncertain Significance.